The following is an entry in ClinVar:

NM_001035.3(RYR2):c.2957T>A (p.Ile986Asn)

Gene: RYR2 (ryanodine receptor 2; plus strand). Cytogenetic location: 1q43.
Variant type: single nucleotide variant.
Coding change: c.2957T>A on transcript NM_001035.3 (MANE Select); coding-DNA position 2957, T replaced by A.
Protein change: p.Ile986Asn; replaces isoleucine 986 with asparagine.
Molecular consequence: missense variant.
Genome position (GRCh38, 1-based): chr1:237,548,481, T>A. VCF-style: chr1-237548481-T-A. GRCh37 (hg19) VCF-style: chr1-237711781-T-A.
Other names: short protein forms I986N.
Identifiers: ClinVar variation 922389 (VCV000922389.6), dbSNP rs1670049700, ClinGen allele CA345393528.

ClinVar aggregate classification (germline): Uncertain significance. Review status: criteria provided, multiple submitters, no conflicts (2 of 4 stars). 2 submissions from 2 submitters: Uncertain significance (2). Last evaluated 2024-01-11.

Conditions:
Cardiomyopathy (CMYO). Also called: Cardiomyopathies. Identifiers: Orphanet 167848, MedGen C0878544, MONDO:0004994, HP:0001638. Inheritance: Various modes of inheritance.
Catecholaminergic polymorphic ventricular tachycardia (CVPT). Also called: Catecholamine-induced polymorphic ventricular tachycardia. Identifiers: Orphanet 3286, MedGen C5574922, MONDO:0017990.

Allele frequency attached by ClinVar (database versions not stated): TOPMed below 0.00001; gnomAD 0.00001.
gnomAD v4.1: 11 of 1,613,878 alleles (0.00068%); highest among the groups gnomAD compares: East Asian, 0.0022%; no homozygotes.

Submissions (2):

All of Us Research Program, National Institutes of Health
Classification: Uncertain significance for Catecholaminergic polymorphic ventricular tachycardia. Last evaluated: 2024-01-11. Review status: criteria provided, single submitter. Criteria: ACMG Guidelines, 2015. Collection method: clinical testing. Allele origin: germline. Inheritance: Autosomal dominant inheritance. Observed: 2 variant alleles, 2 heterozygotes.
Comment: This missense variant replaces isoleucine with asparagine at codon 986 of the RYR2 protein. Computational prediction tools and conservation analyses suggest that this variant may have deleterious impact on protein structure and function. Splice site prediction tools suggest that this variant may not impact RNA splicing. To our knowledge, functional studies have not been performed for this variant. This variant has not been reported in individuals affected with cardiovascular disorders in the literature. This variant has not been identified in the general population by the Genome Aggregation Database (gnomAD). The available evidence is insufficient to determine the role of this variant in disease conclusively. Therefore, this variant is classified as a Variant of Uncertain Significance.

This study involves interpretation of variants in research participants for the purpose of population health screening. Participant phenotype was not available at the time of variant classification. Additional details can be found in publication PMID: 35346344, PMCID: PMC8962531

Color Diagnostics, LLC DBA Color Health
Classification: Uncertain significance for Cardiomyopathy. Last evaluated: 2023-12-05. Review status: criteria provided, single submitter. Criteria: ACMG Guidelines, 2015. Collection method: clinical testing. Allele origin: germline.
Comment: This missense variant replaces isoleucine with asparagine at codon 986 of the RYR2 protein. Computational prediction tools and conservation analyses suggest that this variant may have deleterious impact on protein structure and function. Splice site prediction tools suggest that this variant may not impact RNA splicing. To our knowledge, functional studies have not been performed for this variant. This variant has not been reported in individuals affected with cardiovascular disorders in the literature. This variant has not been identified in the general population by the Genome Aggregation Database (gnomAD). The available evidence is insufficient to determine the role of this variant in disease conclusively. Therefore, this variant is classified as a Variant of Uncertain Significance.